The following is an entry in ClinVar:

NM_001378030.1(CCDC78):c.897C>A (p.Tyr299Ter)

Gene: CCDC78 (coiled-coil domain containing 78; minus strand). Cytogenetic location: 16p13.3.
Variant type: single nucleotide variant.
Coding change: c.897C>A on transcript NM_001378030.1 (MANE Select); coding-DNA position 897, C replaced by A.
Protein change: p.Tyr299Ter; replaces tyrosine 299 with a stop codon.
Molecular consequence: nonsense. On other transcripts: non-coding transcript variant (5).
Genome position (GRCh38, 1-based): chr16:724,378, G>T on the plus strand (C>A on the coding strand, the complement: CCDC78 is on the minus strand). VCF-style: chr16-724378-G-T. GRCh37 (hg19) VCF-style: chr16-774378-G-T.
Other names: c.897C>A, p.Tyr299Ter (NM_001031737.3, NM_001378031.1); c.330C>A, p.Tyr110Ter (NM_001378033.1); short protein forms Y110*, Y299*.
Identifiers: ClinVar variation 1407143 (VCV001407143.6), dbSNP rs1203607617, ClinGen allele CA394100191.

ClinVar aggregate classification (germline): Uncertain significance (1 of 4 stars; one submission).

Conditions:
Congenital myopathy with internal nuclei and atypical cores. Also called: Myopathy, centronuclear, 4. Identifiers: Orphanet 319160, MedGen C4707232, MONDO:0013890, OMIM 614807.

Allele frequency attached by ClinVar (database versions not stated): TOPMed 0.00001.
gnomAD v4.1: 35 of 1,612,222 alleles (0.0022%); highest among the groups gnomAD compares: Non-Finnish European, 0.003%; no homozygotes.

Submission:

Labcorp Genetics (formerly Invitae), Labcorp
Classification: Uncertain significance for Congenital myopathy with internal nuclei and atypical cores. Last evaluated: 2025-06-15. Review status: criteria provided, single submitter. Criteria: Invitae Variant Classification Sherloc (09022015). Collection method: clinical testing. Allele origin: germline.
Comment: This sequence change creates a premature translational stop signal (p.Tyr299*) in the CCDC78 gene. It is expected to result in an absent or disrupted protein product. However, the current clinical and genetic evidence is not sufficient to establish whether loss-of-function variants in CCDC78 cause disease. This variant is present in population databases (no rsID available, gnomAD 0.0009%). This variant has not been reported in the literature in individuals affected with CCDC78-related conditions. ClinVar contains an entry for this variant (Variation ID: 1407143). In summary, the available evidence is currently insufficient to determine the role of this variant in disease. Therefore, it has been classified as a Variant of Uncertain Significance.